The following is an entry in ClinVar:

NM_198253.3(TERT):c.20G>A (p.Cys7Tyr)

Genes: TERT (telomerase reverse transcriptase; minus strand), LOC110806263 (TERT 5' regulatory region; plus strand). Cytogenetic location: 5p15.33.
Variant type: single nucleotide variant.
Coding change: c.20G>A on transcript NM_198253.3 (MANE Select); coding-DNA position 20, G replaced by A.
Protein change: p.Cys7Tyr; replaces cysteine 7 with tyrosine.
Molecular consequence: missense variant. On other transcripts: non-coding transcript variant (2).
Genome position (GRCh38, 1-based): chr5:1,294,970, C>T on the plus strand (G>A on the coding strand, the complement: TERT is on the minus strand). VCF-style: chr5-1294970-C-T. GRCh37 (hg19) VCF-style: chr5-1295085-C-T.
Other names: c.20G>A, p.Cys7Tyr (NM_001193376.3); short protein forms C7Y.
Identifiers: ClinVar variation 848683 (VCV000848683.49), dbSNP rs1751301663, ClinGen allele CA359059971.

ClinVar aggregate classification (germline): Uncertain significance (1 of 4 stars; one submission).

Conditions:
Dyskeratosis congenita, autosomal dominant 2. Identifiers: MedGen C3151443, MONDO:0013521, OMIM 613989.
Idiopathic Pulmonary Fibrosis. Also called: Idiopathic fibrosing alveolitis, chronic form; idiopathic fibrosing alveolitis. Identifiers: Orphanet 2032, MedGen C1800706, MeSH D054990, MONDO:0800504.

Submission:

Labcorp Genetics (formerly Invitae), Labcorp
Classification: Uncertain significance for Dyskeratosis congenita, autosomal dominant 2; Idiopathic Pulmonary Fibrosis. Last evaluated: 2019-12-11. Review status: criteria provided, single submitter. Criteria: Invitae Variant Classification Sherloc (09022015). Collection method: clinical testing. Allele origin: germline.
Comment: In summary, the available evidence is currently insufficient to determine the role of this variant in disease. Therefore, it has been classified as a Variant of Uncertain Significance. Algorithms developed to predict the effect of missense changes on protein structure and function are either unavailable or do not agree on the potential impact of this missense change (SIFT: "Tolerated"; PolyPhen-2: "Possibly Damaging"; Align-GVGD: "Class C0"). This variant has not been reported in the literature in individuals with TERT-related conditions. The frequency data for this variant in the population databases is considered unreliable, as metrics indicate insufficient coverage at this position in the ExAC database. This sequence change replaces cysteine with tyrosine at codon 7 of the TERT protein (p.Cys7Tyr). The cysteine residue is weakly conserved and there is a large physicochemical difference between cysteine and tyrosine.